The following is an entry in ClinVar:

NM_001372051.1(CASP8):c.*166G>C

Gene: CASP8 (caspase 8; plus strand). Cytogenetic location: 2q33.1.
Variant type: single nucleotide variant.
Coding change: c.*166G>C on transcript NM_001372051.1 (MANE Select); 166 bases downstream of the stop codon, G replaced by C.
Molecular consequence: 3 prime UTR variant. On other transcripts: non-coding transcript variant (22).
Genome position (GRCh38, 1-based): chr2:201,286,760, G>C. VCF-style: chr2-201286760-G-C. GRCh37 (hg19) VCF-style: chr2-202151483-G-C.
Other names: c.*166G>C (NM_001080124.2, NM_001080125.2, NM_001228.5 and 35 more transcripts).
Identifiers: ClinVar variation 898735 (VCV000898735.4), dbSNP rs35474602, ClinGen allele CA63894404.

ClinVar aggregate classification (germline): Likely benign (1 of 4 stars; one submission).

Conditions:
Autoimmune lymphoproliferative syndrome type 2B. Also called: AUTOIMMUNE LYMPHOPROLIFERATIVE SYNDROME, TYPE IIB. Identifiers: Orphanet 275517, MedGen C1846545, MONDO:0011804, OMIM 607271.

Allele frequency attached by ClinVar (database versions not stated): TOPMed 0.00325; gnomAD 0.00340 and 0.00369; 1000 Genomes Project 0.00379; 1000 Genomes Project 30x 0.00468.
gnomAD v4.1: 666 of 574,256 alleles (0.12%); highest among the groups gnomAD compares: African/African-American, 1.2%; 3 homozygotes.

Submission:

Illumina Laboratory Services, Illumina
Classification: Likely benign for Autoimmune lymphoproliferative syndrome type 2B. Last evaluated: 2018-01-13. Review status: criteria provided, single submitter. Criteria: ICSL Variant Classification Criteria 13 December 2019. Collection method: clinical testing. Allele origin: germline.
Comment: This variant was observed in the ICSL laboratory as part of a predisposition screen in an ostensibly healthy population. It had not been previously curated by ICSL or reported in the Human Gene Mutation Database (HGMD: prior to June 1st, 2018), and was therefore a candidate for classification through an automated scoring system. Utilizing variant allele frequency, disease prevalence and penetrance estimates, and inheritance mode, an automated score was calculated to assess if this variant is too frequent to cause the disease. Based on the score and internal cut-off values, a variant classified as likely benign is not then subjected to further curation. The score for this variant resulted in a classification of likely benign for this disease.